The following is an entry in ClinVar:

ClinVar aggregate classification (germline): Pathogenic (1 of 4 stars; one submission).

Submission:

CeGaT Center for Human Genetics Tuebingen
Classification: Pathogenic. Last evaluated: 2023-04-01. Review status: criteria provided, single submitter. Criteria: CeGaT Center For Human Genetics Tuebingen Variant Classification Criteria Version 2. Collection method: clinical testing. Allele origin: germline. Affected: yes. Observed: 1 variant allele.
Comment: FOXC1: PM1, PM2, PM5, PP4:Moderate, PP3, PS4:Supporting

NM_001453.3(FOXC1):c.236C>A (p.Pro79Gln)

Genes: FOXC1 (forkhead box C1; plus strand), LOC129995601 (ATAC-STARR-seq lymphoblastoid active region 23864; plus strand). Cytogenetic location: 6p25.3.
Variant type: single nucleotide variant.
Coding change: c.236C>A on transcript NM_001453.3 (MANE Select); coding-DNA position 236, C replaced by A.
Protein change: p.Pro79Gln; replaces proline 79 with glutamine.
Molecular consequence: missense variant.
Genome position (GRCh38, 1-based): chr6:1,610,681, C>A. VCF-style: chr6-1610681-C-A. GRCh37 (hg19) VCF-style: chr6-1610916-C-A.
Other names: short protein forms P79Q.
Identifiers: ClinVar variation 2571241 (VCV002571241.27), dbSNP rs2480502053, ClinGen allele CA362558370.